The following is an entry in ClinVar:

NM_006087.4(TUBB4A):c.914C>T (p.Pro305Leu)

Gene: TUBB4A (tubulin beta 4A class IVa; minus strand). Cytogenetic location: 19p13.3.
Variant type: single nucleotide variant.
Coding change: c.914C>T on transcript NM_006087.4 (MANE Select); coding-DNA position 914, C replaced by T.
Protein change: p.Pro305Leu; replaces proline 305 with leucine.
Molecular consequence: missense variant.
Genome position (GRCh38, 1-based): chr19:6,495,585, G>A on the plus strand (C>T on the coding strand, the complement: TUBB4A is on the minus strand). VCF-style: chr19-6495585-G-A. GRCh37 (hg19) VCF-style: chr19-6495596-G-A.
Other names: c.1067C>T, p.Pro356Leu (NM_001289123.2); c.1049C>T, p.Pro350Leu (NM_001289127.2); c.914C>T, p.Pro305Leu (NM_001289129.2); c.698C>T, p.Pro233Leu (NM_001289130.2, NM_001289131.2); c.914C>T (NM_006087.2); short protein forms P233L, P350L, P305L, P356L.
Identifiers: ClinVar variation 2124259 (VCV002124259.5), dbSNP rs1338934761, ClinGen allele CA403590470.
Genomic context (GRCh38, chr19:6,495,585, plus strand): 5'-TCCTTCATGGACATGCGGCCCCGGAACACGGCGGCCACGGTCAGGTAGCGGCCGTGGCGC[G>A]GGTCGCACGCCGCCATCATGTTCTTGGCATCGAACATCTGCTGGGTGAGCTCGGGCACCG-3'
Protein context (NP_006078.2, residues 295-315): DAKNMMAACD[Pro305Leu]RHGRYLTVAA

ClinVar aggregate classification (germline): Uncertain significance. Review status: criteria provided, multiple submitters, no conflicts (2 of 4 stars). 2 submissions from 2 submitters: Uncertain significance (2). Last evaluated 2025-04-25.

Conditions:
Leukodystrophy, hypomyelinating, 6. Also called: Hypomyelination with Atrophy of Basal Ganglia and Cerebellum (H-ABC); LEUKODYSTROPHY, HYPOMYELINATING, WITH ATROPHY OF THE BASAL GANGLIA AND CEREBELLUM; TUBB4A-Associated Leukodystrophy. Identifiers: Orphanet 139441, MedGen C2676244, MONDO:0012905, OMIM 612438.
Inborn genetic diseases. Identifiers: MedGen C0950123, MeSH D030342.

Allele frequency attached by ClinVar (database versions not stated): gnomAD exomes below 0.00001; TOPMed 0.00001.

Submissions (2):

Ambry Genetics
Classification: Uncertain significance for Inborn genetic diseases. Last evaluated: 2025-04-25. Review status: criteria provided, single submitter. Criteria: Ambry Variant Classification Scheme 2023. Collection method: clinical testing. Allele origin: germline.

Labcorp Genetics (formerly Invitae), Labcorp
Classification: Uncertain significance for Leukodystrophy, hypomyelinating, 6. Last evaluated: 2022-06-04. Review status: criteria provided, single submitter. Criteria: Invitae Variant Classification Sherloc (09022015). Collection method: clinical testing. Allele origin: germline.
Comment: In summary, the available evidence is currently insufficient to determine the role of this variant in disease. Therefore, it has been classified as a Variant of Uncertain Significance. Algorithms developed to predict the effect of missense changes on protein structure and function are either unavailable or do not agree on the potential impact of this missense change (SIFT: "Deleterious"; PolyPhen-2: "Probably Damaging"; Align-GVGD: "Class C0"). This missense change has been observed in at least one individual who was not affected with TUBB4A-related conditions (Invitae). This variant has not been reported in the literature in individuals affected with TUBB4A-related conditions. The frequency data for this variant in the population databases is considered unreliable, as metrics indicate poor data quality at this position in the gnomAD database. This sequence change replaces proline, which is neutral and non-polar, with leucine, which is neutral and non-polar, at codon 305 of the TUBB4A protein (p.Pro305Leu).